The following is an entry in ClinVar:

ClinVar aggregate classification (germline): Uncertain significance (1 of 4 stars; one submission).

Submission:

Labcorp Genetics (formerly Invitae), Labcorp
Classification: Uncertain significance. Last evaluated: 2024-08-31. Review status: criteria provided, single submitter. Criteria: Invitae Variant Classification Sherloc (09022015). Collection method: clinical testing. Allele origin: germline.
Comment: This sequence change replaces glycine, which is neutral and non-polar, with glutamic acid, which is acidic and polar, at codon 511 of the PKLR protein (p.Gly511Glu). This variant is not present in population databases (gnomAD no frequency). This missense change has been observed in individual(s) with pyruvate kinase deficiency (internal data). Invitae Evidence Modeling of protein sequence and biophysical properties (such as structural, functional, and spatial information, amino acid conservation, physicochemical variation, residue mobility, and thermodynamic stability) indicates that this missense variant is expected to disrupt PKLR protein function with a positive predictive value of 80%. In summary, the available evidence is currently insufficient to determine the role of this variant in disease. Therefore, it has been classified as a Variant of Uncertain Significance.

NM_000298.6(PKLR):c.1532G>A (p.Gly511Glu)

Gene: PKLR (pyruvate kinase L/R; minus strand). Cytogenetic location: 1q22.
Variant type: single nucleotide variant.
Coding change: c.1532G>A on transcript NM_000298.6 (MANE Select); coding-DNA position 1532, G replaced by A.
Protein change: p.Gly511Glu; replaces glycine 511 with glutamic acid.
Molecular consequence: missense variant.
Genome position (GRCh38, 1-based): chr1:155,291,842, C>T on the plus strand (G>A on the coding strand, the complement: PKLR is on the minus strand). VCF-style: chr1-155291842-C-T. GRCh37 (hg19) VCF-style: chr1-155261633-C-T.
Other names: c.1439G>A, p.Gly480Glu (NM_181871.4); short protein forms G480E, G511E.
Identifiers: ClinVar variation 3720243 (VCV003720243.2).